The following is an entry in ClinVar:

NM_005909.5(MAP1B):c.2884G>A (p.Val962Ile)

Gene: MAP1B (microtubule associated protein 1B; plus strand). Cytogenetic location: 5q13.2.
Variant type: single nucleotide variant.
Coding change: c.2884G>A on transcript NM_005909.5 (MANE Select); coding-DNA position 2884, G replaced by A.
Protein change: p.Val962Ile; replaces valine 962 with isoleucine.
Molecular consequence: missense variant.
Genome position (GRCh38, 1-based): chr5:72,196,239, G>A. VCF-style: chr5-72196239-G-A. GRCh37 (hg19) VCF-style: chr5-71492066-G-A.
Other names: c.2506G>A, p.Val836Ile (NM_001324255.2); short protein forms V836I, V962I.
Identifiers: ClinVar variation 746831 (VCV000746831.8), dbSNP rs35796057, ClinGen allele CA3298901.
Genomic context (GRCh38, chr5:72,196,239, plus strand): 5'-TATGAAGAGAAGGCAGAAACTGAGGAGGCTGAGGAGCCAGAAGAGGATGGGGAGGAACAC[G>A]TATGTGTGAGCGCCTCCAAGCACAGCCCCACTGAGGATGAGGAAAGTGCCAAGGCGGAGG-3'
Protein context (NP_005900.2, residues 952-972): EEPEEDGEEH[Val962Ile]CVSASKHSPT

ClinVar aggregate classification (germline): Benign. Review status: criteria provided, multiple submitters, no conflicts (2 of 4 stars). 3 submissions from 3 submitters: Benign (2). 1 of the submissions does not count toward it. Last evaluated 2026-06-01.

Conditions:
MAP1B-related disorder. Also called: MAP1B-related condition.

Allele frequency attached by ClinVar (database versions not stated): gnomAD exomes 0.00084; ExAC 0.00098; gnomAD 0.00263 and 0.00274; TOPMed 0.00323; 1000 Genomes Project 0.00379; 1000 Genomes Project 30x 0.00406; ESP Exome Variant Server 0.00469.
gnomAD v4.1: 903 of 1,613,844 alleles (0.056%); highest among the groups gnomAD compares: African/African-American, 0.94%; 4 homozygotes.

Submissions (3):

CeGaT Center for Human Genetics Tuebingen
Classification: Benign. Last evaluated: 2026-06-01. Review status: criteria provided, single submitter. Criteria: CeGaT Center For Human Genetics Tuebingen Variant Classification Criteria Version 2. Collection method: clinical testing. Allele origin: germline. Affected: yes. Observed: 1 variant allele.
Comment: MAP1B: BP4, BS1, BS2

Labcorp Genetics (formerly Invitae), Labcorp
Classification: Benign. Last evaluated: 2019-12-31. Review status: criteria provided, single submitter. Criteria: Invitae Variant Classification Sherloc (09022015). Collection method: clinical testing. Allele origin: germline.

PreventionGenetics, part of Exact Sciences
Classification: Likely benign for MAP1B-related condition. Last evaluated: 2019-03-25. Review status: no assertion criteria provided. Collection method: clinical testing. Allele origin: germline. Not counted in ClinVar's aggregate classification.
Comment: This variant is classified as likely benign based on ACMG/AMP sequence variant interpretation guidelines (Richards et al. 2015 PMID: 25741868, with internal and published modifications).